The following is an entry in ClinVar:

NM_001256545.2(MEGF10):c.789G>T (p.Val263=)

Gene: MEGF10 (multiple EGF like domains 10; plus strand). Cytogenetic location: 5q23.2.
Variant type: single nucleotide variant.
Coding change: c.789G>T on transcript NM_001256545.2 (MANE Select); coding-DNA position 789, G replaced by T.
Protein change: p.Val263=; no amino-acid change (valine 263 retained).
Molecular consequence: synonymous variant.
Genome position (GRCh38, 1-based): chr5:127,402,554, G>T. VCF-style: chr5-127402554-G-T. GRCh37 (hg19) VCF-style: chr5-126738246-G-T.
Other names: c.789G>T, p.Val263= (NM_001308119.2, NM_001308121.2, NM_032446.3).
Identifiers: ClinVar variation 669062 (VCV000669062.1), dbSNP rs1188804374, ClinGen allele CA446283634.

ClinVar aggregate classification (germline): Likely benign (1 of 4 stars; one submission).

Submission:

GeneDx
Classification: Likely benign. Last evaluated: 2018-05-29. Review status: criteria provided, single submitter. Criteria: GeneDx Variant Classification (06012015). Collection method: clinical testing. Allele origin: germline. Affected: yes.
Comment: This variant is considered likely benign or benign based on one or more of the following criteria: it is a conservative change, it occurs at a poorly conserved position in the protein, it is predicted to be benign by multiple in silico algorithms, and/or has population frequency not consistent with disease.